The following is an entry in ClinVar:

NM_014009.4(FOXP3):c.14G>T (p.Arg5Met)

Gene: FOXP3 (forkhead box P3; minus strand). Cytogenetic location: Xp11.23.
Variant type: single nucleotide variant.
Coding change: c.14G>T on transcript NM_014009.4 (MANE Select); coding-DNA position 14, G replaced by T.
Protein change: p.Arg5Met; replaces arginine 5 with methionine.
Molecular consequence: missense variant.
Genome position (GRCh38, 1-based): chrX:49,258,492, C>A on the plus strand (G>T on the coding strand, the complement: FOXP3 is on the minus strand). VCF-style: chrX-49258492-C-A. GRCh37 (hg19) VCF-style: chrX-49114949-C-A.
Other names: c.14G>T, p.Arg5Met (NM_001114377.2); short protein forms R5M.
Identifiers: ClinVar variation 1505723 (VCV001505723.8), dbSNP rs2147949758, ClinGen allele CA412954377.
Genomic context (GRCh38, chrX:49,258,492, plus strand): 5'-CTGGGCGAGGCTCCTGGGGATGGGCCAAGGGCCAAGGAAGGGGCCGAGGGCTTGCCAGGC[C>A]TGGGGTTGGGCATCGGGTCCTTGTCCAAGGGCAGGCTGCGTAGACAATAGGGGAAAGGAG-3'
Protein context (NP_054728.2, residues 1-15): MPNP[Arg5Met]PGKPSAPSLA

ClinVar aggregate classification (germline): Uncertain significance (1 of 4 stars; one submission).

Conditions:
Insulin-dependent diabetes mellitus secretory diarrhea syndrome (IPEX). Also called: Immunodysregulation, polyendocrinopathy, and enteropathy, X-linked; IMMUNODEFICIENCY, POLYENDOCRINOPATHY, AND ENTEROPATHY, X-LINKED; Immune dysregulation-polyendocrinopathy-enteropathy-X-linked syndrome; X-Linked Autoimmunity-Allergic Dysregulation Syndrome; Immunodeficiency, Polyendocrinopathy, and Enteropathy X-Linked Syndrome; X-Linked Syndrome of Polyendocrinopathy, Immune Dysfunction, and Diarrhea. Identifiers: Orphanet 37042, MedGen C0342288, MONDO:0010580, OMIM 304790. Disease mechanism: loss of function.

Submission:

Labcorp Genetics (formerly Invitae), Labcorp
Classification: Uncertain significance for Insulin-dependent diabetes mellitus secretory diarrhea syndrome. Last evaluated: 2022-08-16. Review status: criteria provided, single submitter. Criteria: Invitae Variant Classification Sherloc (09022015). Collection method: clinical testing. Allele origin: germline.
Comment: This variant is not present in population databases (gnomAD no frequency). This variant has not been reported in the literature in individuals affected with FOXP3-related conditions. ClinVar contains an entry for this variant (Variation ID: 1505723). Advanced modeling of protein sequence and biophysical properties (such as structural, functional, and spatial information, amino acid conservation, physicochemical variation, residue mobility, and thermodynamic stability) performed at Invitae indicates that this missense variant is expected to disrupt FOXP3 protein function. In summary, the available evidence is currently insufficient to determine the role of this variant in disease. Therefore, it has been classified as a Variant of Uncertain Significance. This sequence change replaces arginine, which is basic and polar, with methionine, which is neutral and non-polar, at codon 5 of the FOXP3 protein (p.Arg5Met).